The following is an entry in ClinVar:

ClinVar aggregate classification (germline): Likely pathogenic (1 of 4 stars; one submission).

Submission:

Labcorp Genetics (formerly Invitae), Labcorp
Classification: Likely pathogenic. Last evaluated: 2023-09-26. Review status: criteria provided, single submitter. Criteria: Invitae Variant Classification Sherloc (09022015). Collection method: clinical testing. Allele origin: germline.
Comment: This variant results in the deletion of part of exon 3 (c.235_300+335delinsA) of the PRDM5 gene. It is expected to disrupt RNA splicing. Variants that disrupt the donor or acceptor splice site typically lead to a loss of protein function (PMID: 16199547), and loss-of-function variants in PRDM5 are known to be pathogenic (PMID: 21664999, 26395458). This variant is not present in population databases (gnomAD no frequency). This variant has not been reported in the literature in individuals affected with PRDM5-related conditions. This variant disrupts a region of the PRDM5 protein in which other variant(s) (p.Arg83Cys) have been observed in individuals with PRDM5-related conditions (PMID: 33739556). This suggests that this is a clinically significant region of the protein, and that variants that disrupt it are likely to be disease-causing. In summary, the currently available evidence indicates that the variant is pathogenic, but additional data are needed to prove that conclusively. Therefore, this variant has been classified as Likely Pathogenic.

Literature cited by the submitters: PubMed 16199547; PubMed 21664999; PubMed 26395458; PubMed 33739556.

NM_018699.4(PRDM5):c.235_300+335delinsA

Gene: PRDM5 (PR/SET domain 5; minus strand). Cytogenetic location: 4q27.
Variant type: Indel.
Coding change: c.235_300+335delinsA on transcript NM_018699.4 (MANE Select); coding-DNA position 235 through 335 bases into the intron after coding-DNA position 300, the reference bases replaced by A.
Molecular consequence: splice donor variant.
Genome position (GRCh38, 1-based): chr4:120,853,083-120,853,483, 401 bases replaced. GRCh37 (hg19): chr4:121,774,238-121,774,638.
Other names: c.235_300+335delinsA (NM_001300824.2, NM_001379106.1, NM_001300823.2 and 1 more transcripts).
Identifiers: ClinVar variation 2763420 (VCV002763420.3), dbSNP rs2478739096, ClinGen allele CA2697546898.